The following is an entry in ClinVar:

NM_002485.5(NBN):c.*273G>A

Gene: NBN (nibrin; minus strand). Cytogenetic location: 8q21.3.
Variant type: single nucleotide variant.
Coding change: c.*273G>A on transcript NM_002485.5 (MANE Select); 273 bases downstream of the stop codon, G replaced by A.
Molecular consequence: 3 prime UTR variant.
Genome position (GRCh38, 1-based): chr8:89,935,309, C>T on the plus strand (G>A on the coding strand, the complement: NBN is on the minus strand). VCF-style: chr8-89935309-C-T. GRCh37 (hg19) VCF-style: chr8-90947537-C-T.
Other names: c.*273G>A (NM_001024688.3).
Identifiers: ClinVar variation 363909 (VCV000363909.7), dbSNP rs1063053, ClinGen allele CA10631649.

ClinVar aggregate classification (germline): Benign. Review status: criteria provided, multiple submitters, no conflicts (2 of 4 stars). 3 submissions from 3 submitters: Benign (3). Last evaluated 2018-06-24.

Conditions:
Microcephaly, normal intelligence and immunodeficiency (NBS). Also called: Ataxia telangiectasia variant V1; Immunodeficiency, microcephaly with normal intelligence; IMMUNODEFICIENCY, MICROCEPHALY, AND CHROMOSOMAL INSTABILITY; SEEMANOVA SYNDROME II; Nijmegen breakage syndrome; Microcephaly with normal intelligence immunodeficiency and lymphoreticular malignancies. Identifiers: Orphanet 647, MedGen C0398791, MONDO:0009623, OMIM 251260.

Allele frequency attached by ClinVar (database versions not stated): TOPMed 0.29798; gnomAD 0.30308 and 0.30534; 1000 Genomes Project 30x 0.31449; gnomAD exomes 0.31997; 1000 Genomes Project 0.32188.
gnomAD v4.1: 119,699 of 381,352 alleles (31%); highest among the groups gnomAD compares: East Asian, 41%; 19,295 homozygotes.

Submissions (3):

GeneDx
Classification: Benign. Last evaluated: 2018-06-24. Review status: criteria provided, single submitter. Criteria: GeneDx Variant Classification Process June 2021. Collection method: clinical testing. Allele origin: germline. Affected: yes.

Illumina Laboratory Services, Illumina
Classification: Benign for Microcephaly, normal intelligence and immunodeficiency. Last evaluated: 2018-01-12. Review status: criteria provided, single submitter. Criteria: ICSL Variant Classification Criteria 13 December 2019. Collection method: clinical testing. Allele origin: germline.
Comment: This variant was observed in the ICSL laboratory as part of a predisposition screen in an ostensibly healthy population. It had not been previously curated by ICSL or reported in the Human Gene Mutation Database (HGMD: prior to June 1st, 2018), and was therefore a candidate for classification through an automated scoring system. Utilizing variant allele frequency, disease prevalence and penetrance estimates, and inheritance mode, an automated score was calculated to assess if this variant is too frequent to cause the disease. Based on the score and internal cut-off values, a variant classified as benign is not then subjected to further curation. The score for this variant resulted in a classification of benign for this disease.

Breakthrough Genomics
Classification: Benign. Review status: criteria provided, single submitter. Criteria: ACMG Guidelines, 2015. Collection method: not provided. Allele origin: germline. Inheritance: Autosomal recessive inheritance. Affected: yes.